The following is an entry in ClinVar:

ClinVar aggregate classification (germline): Conflicting classifications of pathogenicity. Review status: criteria provided, conflicting classifications (1 of 4 stars). 3 submissions from 3 submitters: Uncertain significance (2); Likely benign (1). Last evaluated 2024-04-07.

Conditions:
Hereditary cancer-predisposing syndrome. Also called: Neoplastic Syndromes, Hereditary; Tumor predisposition; Hereditary Cancer Syndrome; Hereditary neoplastic syndrome. Identifiers: Orphanet 140162, MedGen C0027672, MeSH D009386, MONDO:0015356.

gnomAD v4.1: 2 of 1,548,960 alleles (0.00013%); highest among the groups gnomAD compares: Non-Finnish European, 0.00017%; no homozygotes.

Submissions (3):

Ambry Genetics
Classification: Uncertain significance for Hereditary cancer-predisposing syndrome. Last evaluated: 2024-04-07. Review status: criteria provided, single submitter. Criteria: Ambry Variant Classification Scheme 2023. Collection method: clinical testing. Allele origin: germline.
Comment: The p.I1298M variant (also known as c.3894T>G), located in coding exon 10 of the BRCA2 gene, results from a T to G substitution at nucleotide position 3894. The isoleucine at codon 1298 is replaced by methionine, an amino acid with highly similar properties. This amino acid position is not well conserved in available vertebrate species. In addition, this alteration is predicted to be tolerated by in silico analysis. Since supporting evidence is limited at this time, the clinical significance of this alteration remains unclear.

University of Washington Department of Laboratory Medicine, University of Washington
Classification: Likely benign for Hereditary cancer-predisposing syndrome. Last evaluated: 2023-03-23. Review status: criteria provided, single submitter. Criteria: Dines et al. (Genet Med. 2020). Collection method: curation. Allele origin: germline.
Comment: Missense variant in a coldspot region where missense variants are very unlikely to be pathogenic (PMID:31911673).

BRCA2 exon 11 coldspot. Reclassification based on statistical prior probability.

Color Diagnostics, LLC DBA Color Health
Classification: Uncertain significance for Hereditary cancer-predisposing syndrome. Last evaluated: 2020-02-09. Review status: criteria provided, single submitter. Criteria: ACMG Guidelines, 2015. Collection method: clinical testing. Allele origin: germline.
Comment: This missense variant replaces isoleucine with methionine at codon 1298 of the BRCA2 protein. Computational prediction suggests that this variant may not impact protein structure and function (internally defined REVEL score threshold <= 0.5, PMID: 27666373). Splice site prediction tools suggest that this variant may not impact RNA splicing. To our knowledge, functional studies have not been performed for this variant. This variant has not been reported in individuals affected with hereditary cancer in the literature. This variant has not been identified in the general population by the Genome Aggregation Database (gnomAD). The available evidence is insufficient to determine the role of this variant in disease conclusively. Therefore, this variant is classified as a Variant of Uncertain Significance.

NM_000059.4(BRCA2):c.3894T>G (p.Ile1298Met)

Gene: BRCA2 (BRCA2 DNA repair associated; plus strand). Cytogenetic location: 13q13.1.
Variant type: single nucleotide variant.
Coding change: c.3894T>G on transcript NM_000059.4 (MANE Select); coding-DNA position 3894, T replaced by G.
Protein change: p.Ile1298Met; replaces isoleucine 1298 with methionine.
Molecular consequence: missense variant.
Genome position (GRCh38, 1-based): chr13:32,338,249, T>G. VCF-style: chr13-32338249-T-G. GRCh37 (hg19) VCF-style: chr13-32912386-T-G.
Other names: short protein forms I1298M.
Identifiers: ClinVar variation 481577 (VCV000481577.11), dbSNP rs41293487, ClinGen allele CA387778775.